The following is an entry in ClinVar:

ClinVar aggregate classification (germline): Pathogenic (1 of 4 stars; one submission).

Submission:

Labcorp Genetics (formerly Invitae), Labcorp
Classification: Pathogenic. Last evaluated: 2024-09-26. Review status: criteria provided, single submitter. Criteria: Invitae Variant Classification Sherloc (09022015). Collection method: clinical testing. Allele origin: germline.
Comment: This sequence change creates a premature translational stop signal (p.Arg1368Hisfs*55) in the ABCA4 gene. It is expected to result in an absent or disrupted protein product. Loss-of-function variants in ABCA4 are known to be pathogenic (PMID: 10958761, 24938718, 25312043, 26780318). This variant is not present in population databases (gnomAD no frequency). This variant has not been reported in the literature in individuals affected with ABCA4-related conditions. For these reasons, this variant has been classified as Pathogenic.

Literature cited by the submitters: PubMed 10958761; PubMed 24938718; PubMed 25312043; PubMed 26780318.

NM_000350.3(ABCA4):c.4099_4102dup (p.Arg1368fs)

Gene: ABCA4 (ATP binding cassette subfamily A member 4; minus strand). Cytogenetic location: 1p22.1.
Variant type: Duplication.
Coding change: c.4099_4102dup on transcript NM_000350.3 (MANE Select); coding-DNA positions 4099 to 4102, 4 bases duplicated (ATCC; older notation c.4099_4102dupATCC).
Protein change: p.Arg1368fs; shifts the reading frame from arginine 1368.
Molecular consequence: frameshift variant.
Genome position (GRCh38, 1-based): chr1:94,031,804-94,031,807, GGAT duplicated on the plus strand (ATCC on the coding strand, the reverse complement: ABCA4 is on the minus strand); duplicating any 4 consecutive bases within chr1:94,031,804-94,031,809 gives the same sequence; the c. name uses the placement nearest the transcript's 3' end. VCF-style (leftmost placement, unchanged base first): chr1-94031803-C-CGGAT. GRCh37 (hg19) VCF-style: chr1-94497359-C-CGGAT.
Other names: c.3875_3878dup, p.Arg1294Hisfs (NM_001425324.1); short protein forms R1368fs.
Identifiers: ClinVar variation 2849768 (VCV002849768.3), dbSNP rs2523732838, ClinGen allele CA2739272724.